The following is an entry in ClinVar:

NC_000002.11:g.(?_135809878)_(136875630_?)del

Genes: CXCR4 (C-X-C motif chemokine receptor 4; minus strand), DARS1 (aspartyl-tRNA synthetase 1; minus strand), LCT (lactase; minus strand), MCM6 (minichromosome maintenance complex component 6; minus strand), MIR128-1 (microRNA 128-1; plus strand) and 4 more. Cytogenetic location: 2q21.3-22.1.
Variant type: Deletion.
Identifiers: ClinVar variation 2424679 (VCV002424679.4).

ClinVar aggregate classification (germline): Uncertain significance (1 of 4 stars; one submission).

Conditions:
Warts, hypogammaglobulinemia, infections, and myelokathexis. Also called: WHIM syndrome. Identifiers: MedGen C0472817, MONDO:0023880.

Submission:

Labcorp Genetics (formerly Invitae), Labcorp
Classification: Uncertain significance for Warts, hypogammaglobulinemia, infections, and myelokathexis. Last evaluated: 2021-12-20. Review status: criteria provided, single submitter. Criteria: Invitae Variant Classification Sherloc (09022015). Collection method: clinical testing. Allele origin: germline.
Comment: A gross deletion of the genomic region encompassing the full coding sequence of the CXCR4 gene has been identified. The current clinical and genetic evidence is not sufficient to establish whether loss-of-function variants in CXCR4 cause disease. The boundaries of this event are unknown as they extend beyond the assayed region for this gene and therefore may encompass additional genes. This variant has not been reported in the literature in individuals affected with CXCR4-related conditions. In summary, the available evidence is currently insufficient to determine the role of this variant in disease. Therefore, it has been classified as a Variant of Uncertain Significance.